The following is an entry in ClinVar:

NM_198253.3(TERT):c.1985T>A (p.Phe662Tyr)

Gene: TERT (telomerase reverse transcriptase; minus strand). Cytogenetic location: 5p15.33.
Variant type: single nucleotide variant.
Coding change: c.1985T>A on transcript NM_198253.3 (MANE Select); coding-DNA position 1985, T replaced by A.
Protein change: p.Phe662Tyr; replaces phenylalanine 662 with tyrosine.
Molecular consequence: missense variant. On other transcripts: non-coding transcript variant (2).
Genome position (GRCh38, 1-based): chr5:1,279,436, A>T on the plus strand (T>A on the coding strand, the complement: TERT is on the minus strand). VCF-style: chr5-1279436-A-T. GRCh37 (hg19) VCF-style: chr5-1279551-A-T.
Other names: c.1985T>A, p.Phe662Tyr (NM_001193376.3); short protein forms F662Y.
Identifiers: ClinVar variation 4560975 (VCV004560975.1).
Genomic context (GRCh38, chr5:1,279,436, plus strand): 5'-CCCAGCACAGAGGCGCCCAGGAGGCCGGGGCGCCGCGCCCGCTCGTAGTTGAGCACGCTG[A>T]ACAGTGCCTTCACCCTCGAGGTGAGACGCTCGGCCTGGCGGGGACAGCATGGGAGACAGT-3'
Protein context (NP_937983.2, residues 652-672): ERLTSRVKAL[Phe662Tyr]SVLNYERARR

ClinVar aggregate classification (germline): Uncertain significance (1 of 4 stars; one submission).

Conditions:
Dyskeratosis congenita. Identifiers: Orphanet 1775, MedGen C0265965, MONDO:0015780.

Submission:

Ambry Genetics
Classification: Uncertain significance for Dyskeratosis congenita. Last evaluated: 2025-10-29. Review status: criteria provided, single submitter. Criteria: Ambry Variant Classification Scheme 2023. Collection method: clinical testing. Allele origin: germline.
Comment: The p.F662Y variant (also known as c.1985T>A), located in coding exon 5 of the TERT gene, results from a T to A substitution at nucleotide position 1985. The phenylalanine at codon 662 is replaced by tyrosine, an amino acid with highly similar properties. This amino acid position is conserved. In addition, the in silico prediction for this alteration is inconclusive. Based on the available evidence, the clinical significance of this variant remains unclear.